The following is an entry in ClinVar:

ClinVar aggregate classification (germline): Likely pathogenic (1 of 4 stars; one submission).

Conditions:
Galactosylceramide beta-galactosidase deficiency. Also called: Leukodystrophy, Globoid Cell; Krabbe Disease; GALACTOCEREBROSIDASE DEFICIENCY; GALC DEFICIENCY; GLOBOID CELL LEUKOENCEPHALOPATHY. Identifiers: Orphanet 487, MedGen C0023521, MONDO:0009499, OMIM 245200.

Submission:

Natera, Inc.
Classification: Likely pathogenic for Galactosylceramide beta-galactosidase deficiency. Last evaluated: 2024-04-23. Review status: criteria provided, single submitter. Criteria: Natera Variant Classification Schema (03/2026). Collection method: clinical testing. Allele origin: germline.
Comment: The c.615T>A variant in GALC is a nonsense variant predicted to introduce a stop codon at amino acid 205. This variant is expected to result in nonsense mediated decay, truncation, or a dysfunctional protein product. This variant is rare in the general population with a frequency below the threshold expected for the associated phenotype(s). Given the available evidence, this variant is classified as Likely Pathogenic.

NM_000153.4(GALC):c.615T>A (p.Tyr205Ter)

Gene: GALC (galactosylceramidase; minus strand). Cytogenetic location: 14q31.3.
Variant type: single nucleotide variant.
Coding change: c.615T>A on transcript NM_000153.4 (MANE Select); coding-DNA position 615, T replaced by A.
Protein change: p.Tyr205Ter; replaces tyrosine 205 with a stop codon.
Molecular consequence: nonsense. On other transcripts: 5 prime UTR variant (2), non-coding transcript variant (1).
Genome position (GRCh38, 1-based): chr14:87,982,211, A>T on the plus strand (T>A on the coding strand, the complement: GALC is on the minus strand). VCF-style: chr14-87982211-A-T. GRCh37 (hg19) VCF-style: chr14-88448555-A-T.
Other names: c.447T>A, p.Tyr149Ter (NM_001424072.1, NM_001424073.1, NM_001424071.1); c.267T>A, p.Tyr89Ter (NM_001424074.1, NM_001424075.1); c.-53T>A (NM_001424076.1, NM_001424077.1); c.546T>A, p.Tyr182Ter (NM_001201401.2); c.537T>A, p.Tyr179Ter (NM_001201402.2); short protein forms Y149*, Y179*, Y182*, Y205*, Y89*.
Identifiers: ClinVar variation 4817606 (VCV004817606.1).